The following is an entry in ClinVar:

ClinVar aggregate classification (germline): Pathogenic/Likely pathogenic. Review status: criteria provided, multiple submitters, no conflicts (2 of 4 stars). 4 submissions from 4 submitters: Pathogenic (2); Likely pathogenic (1). 1 of the submissions does not count toward it. Last evaluated 2025-12-01.

Conditions:
OCA2-related disorder. Also called: OCA2-related condition.
Nonsyndromic Oculocutaneous Albinism.

Allele frequency attached by ClinVar (database versions not stated): gnomAD exomes 0.00001; TOPMed 0.00001.
gnomAD v4.1: 15 of 1,614,060 alleles (0.00093%); highest among the groups gnomAD compares: Non-Finnish European, 0.0012%; no homozygotes.

Submissions (4):

Labcorp Genetics (formerly Invitae), Labcorp
Classification: Pathogenic. Last evaluated: 2025-12-01. Review status: criteria provided, single submitter. Criteria: Invitae Variant Classification Sherloc (09022015). Collection method: clinical testing. Allele origin: germline.
Comment: This sequence change replaces glycine, which is neutral and non-polar, with arginine, which is basic and polar, at codon 359 of the OCA2 protein (p.Gly359Arg). This variant is not present in population databases (gnomAD no frequency). This missense change has been observed in individuals with oculocutaneous albinism (PMID: 28266639; internal data). ClinVar contains an entry for this variant (Variation ID: 452941). Invitae Evidence Modeling of protein sequence and biophysical properties (such as structural, functional, and spatial information, amino acid conservation, physicochemical variation, residue mobility, and thermodynamic stability) indicates that this missense variant is expected to disrupt OCA2 protein function with a positive predictive value of 95%. This variant disrupts the p.Gly359 amino acid residue in OCA2. Other variant(s) that disrupt this residue have been determined to be pathogenic (PMID: 27734839). This suggests that this residue is clinically significant, and that variants that disrupt this residue are likely to be disease-causing. For these reasons, this variant has been classified as Pathogenic.

Blueprint Genetics
Classification: Pathogenic for OCA2-related disorders. Last evaluated: 2021-10-13. Review status: criteria provided, single submitter. Criteria: ACMG Guidelines, 2015. Collection method: clinical testing. Allele origin: germline. Affected: yes. Observed: 3 variant alleles.

GeneDx
Classification: Likely pathogenic. Last evaluated: 2017-10-19. Review status: criteria provided, single submitter. Criteria: GeneDx Variant Classification (06012015). Collection method: clinical testing. Allele origin: germline. Affected: yes.
Comment: The G359R variant in the OCA2 gene has been reported previously as homozygous in a family with oculocutaneous albinism (Shahzad et al., 2017). The G359R variant is not observed in large population cohorts (Lek et al., 2016). The G359R variant is a non-conservative amino acid substitution, which is likely to impact secondary protein structure as these residues differ in polarity, charge, size and/or other properties. This substitution occurs at a position that is conserved across species, and in silico analysis predicts this variant is probably damaging to the protein structure/function. We interpret G359R as a likely pathogenic variant.

University of Washington Center for Mendelian Genomics, University of Washington
Classification: Likely pathogenic for Nonsyndromic Oculocutaneous Albinism. Last evaluated: 2017-03-07. Review status: no assertion criteria provided. Collection method: research. Allele origin: unknown. Affected: yes. Observed: 1 homozygote. Not counted in ClinVar's aggregate classification.

Literature cited by the submitters: PubMed 28266639 (cited by Labcorp Genetics (formerly Invitae), Labcorp and University of Washington Center for Mendelian Genomics, University of Washington); PubMed 27734839 (cited by Labcorp Genetics (formerly Invitae), Labcorp).

NM_000275.3(OCA2):c.1075G>C (p.Gly359Arg)

Gene: OCA2 (OCA2 melanosomal transmembrane protein; minus strand). Cytogenetic location: 15q13.1.
Variant type: single nucleotide variant.
Coding change: c.1075G>C on transcript NM_000275.3 (MANE Select); coding-DNA position 1075, G replaced by C.
Protein change: p.Gly359Arg; replaces glycine 359 with arginine.
Molecular consequence: missense variant. On other transcripts: intron variant (1).
Genome position (GRCh38, 1-based): chr15:27,990,617, C>G on the plus strand (G>C on the coding strand, the complement: OCA2 is on the minus strand). VCF-style: chr15-27990617-C-G. GRCh37 (hg19) VCF-style: chr15-28235763-C-G.
Other names: c.1045-951G>C (NM_001300984.2); short protein forms G359R.
Identifiers: ClinVar variation 452941 (VCV000452941.8), dbSNP rs1555368749, ClinGen allele CA391362380.
Genomic context (GRCh38, chr15:27,990,617, plus strand): 5'-TGGGACTGTGACAACTTACATCGCCAATCACAGCCAGTGCTGCCAGTGCTGCAAGGGAAC[C>G]CAGCATGGCCGCCAGAGTTCTGTGCACGATCTGGAAAGAAGCACAGGAAATTACCGCGTT-3'
Protein context (NP_000266.2, residues 349-369): IVHRTLAAML[Gly359Arg]SLAALAALAV